The following is an entry in ClinVar:

NM_001127208.3(TET2):c.2348A>G (p.Glu783Gly)

Genes: TET2 (tet methylcytosine dioxygenase 2; plus strand), TET2-AS1 (TET2 antisense RNA 1; minus strand). Cytogenetic location: 4q24.
Variant type: single nucleotide variant.
Coding change: c.2348A>G on transcript NM_001127208.3 (MANE Select); coding-DNA position 2348, A replaced by G.
Protein change: p.Glu783Gly; replaces glutamic acid 783 with glycine.
Molecular consequence: missense variant.
Genome position (GRCh38, 1-based): chr4:105,236,290, A>G. VCF-style: chr4-105236290-A-G. GRCh37 (hg19) VCF-style: chr4-106157447-A-G.
Other names: c.2348A>G, p.Glu783Gly (NM_017628.4); short protein forms E783G.
Identifiers: ClinVar variation 3681730 (VCV003681730.3).

ClinVar aggregate classification (germline): Uncertain significance. Review status: criteria provided, multiple submitters, no conflicts (2 of 4 stars). 2 submissions from 2 submitters: Uncertain significance (2). Last evaluated 2024-12-15.

gnomAD v4.1: 1 of 1,614,000 alleles (0.000062%); no homozygotes.

Submissions (2):

Ambry Genetics
Classification: Uncertain significance. Last evaluated: 2024-12-15. Review status: criteria provided, single submitter. Criteria: Ambry Variant Classification Scheme 2023. Collection method: clinical testing. Allele origin: germline.
Comment: The p.E783G variant (also known as c.2348A>G), located in coding exon 1 of the TET2 gene, results from an A to G substitution at nucleotide position 2348. The glutamic acid at codon 783 is replaced by glycine, an amino acid with similar properties. This amino acid position is conserved. In addition, this alteration is predicted to be tolerated by in silico analysis. Based on the available evidence, the clinical significance of this variant remains unclear.

Labcorp Genetics (formerly Invitae), Labcorp
Classification: Uncertain significance. Last evaluated: 2024-07-17. Review status: criteria provided, single submitter. Criteria: Invitae Variant Classification Sherloc (09022015). Collection method: clinical testing. Allele origin: germline.
Comment: This sequence change replaces glutamic acid, which is acidic and polar, with glycine, which is neutral and non-polar, at codon 783 of the TET2 protein (p.Glu783Gly). This variant is not present in population databases (gnomAD no frequency). This variant has not been reported in the literature in individuals affected with TET2-related conditions. An algorithm developed to predict the effect of missense changes on protein structure and function (PolyPhen-2) suggests that this variant is likely to be disruptive. In summary, the available evidence is currently insufficient to determine the role of this variant in disease. Therefore, it has been classified as a Variant of Uncertain Significance.